The following is an entry in ClinVar:

NM_015512.5(DNAH1):c.5794C>T (p.Arg1932Trp)

Gene: DNAH1 (dynein axonemal heavy chain 1; plus strand). Cytogenetic location: 3p21.1.
Variant type: single nucleotide variant.
Coding change: c.5794C>T on transcript NM_015512.5 (MANE Select); coding-DNA position 5794, C replaced by T.
Protein change: p.Arg1932Trp; replaces arginine 1932 with tryptophan.
Molecular consequence: missense variant.
Genome position (GRCh38, 1-based): chr3:52,368,769, C>T. VCF-style: chr3-52368769-C-T. GRCh37 (hg19) VCF-style: chr3-52402785-C-T.
Other names: short protein forms R1932W.
Identifiers: ClinVar variation 656397 (VCV000656397.7), dbSNP rs770638269, ClinGen allele CA2434333.

ClinVar aggregate classification (germline): Uncertain significance. Review status: criteria provided, multiple submitters, no conflicts (2 of 4 stars). 2 submissions from 2 submitters: Uncertain significance (2). Last evaluated 2018-09-17.

Conditions:
Spermatogenic failure 18. Identifiers: MedGen C4539783, MONDO:0054615, OMIM 617576.
Ciliary dyskinesia, primary, 37 (CILD37). Also called: CILIARY DYSKINESIA, PRIMARY, 37, WITH OR WITHOUT SITUS INVERSUS. Identifiers: MedGen C4539798, MONDO:0033204, OMIM 617577.

Allele frequency attached by ClinVar (database versions not stated): TOPMed 0.00001; ExAC 0.00002; gnomAD exomes 0.00002 and 0.00001.
gnomAD v4.1: 15 of 1,613,916 alleles (0.00093%); highest among the groups gnomAD compares: Non-Finnish European, 0.0013%; no homozygotes.

Submissions (2):

Labcorp Genetics (formerly Invitae), Labcorp
Classification: Uncertain significance for Ciliary dyskinesia, primary, 37; Spermatogenic failure 18. Last evaluated: 2018-09-17. Review status: criteria provided, single submitter. Criteria: Invitae Variant Classification Sherloc (09022015). Collection method: clinical testing. Allele origin: germline.
Comment: This sequence change replaces arginine with tryptophan at codon 1932 of the DNAH1 protein (p.Arg1932Trp). The arginine residue is highly conserved and there is a moderate physicochemical difference between arginine and tryptophan. This variant is present in population databases (rs770638269, ExAC 0.005%). This variant has not been reported in the literature in individuals with DNAH1-related disease. Algorithms developed to predict the effect of missense changes on protein structure and function (SIFT, PolyPhen-2, Align-GVGD) all suggest that this variant is likely to be disruptive, but these predictions have not been confirmed by published functional studies and their clinical significance is uncertain. In summary, the available evidence is currently insufficient to determine the role of this variant in disease. Therefore, it has been classified as a Variant of Uncertain Significance.

Juno Genomics, Hangzhou Juno Genomics, Inc
Classification: Uncertain significance for Ciliary dyskinesia, primary, 37; Spermatogenic failure 18. Review status: criteria provided, single submitter. Criteria: ACMG Guidelines, 2015. Collection method: clinical testing. Allele origin: germline.
Comment: Absent from controls (or at extremely low frequency if recessive) in Genome Aggregation Database.;Multiple lines of computational evidence support a deleterious effect on the gene or gene product.